The following is an entry in ClinVar:

NM_033409.4(SLC52A3):c.1009G>C (p.Ala337Pro)

Gene: SLC52A3 (solute carrier family 52 member 3; minus strand). Cytogenetic location: 20p13.
Variant type: single nucleotide variant.
Coding change: c.1009G>C on transcript NM_033409.4 (MANE Select); coding-DNA position 1009, G replaced by C.
Protein change: p.Ala337Pro; replaces alanine 337 with proline.
Molecular consequence: missense variant.
Genome position (GRCh38, 1-based): chr20:763,562, C>G on the plus strand (G>C on the coding strand, the complement: SLC52A3 is on the minus strand). VCF-style: chr20-763562-C-G. GRCh37 (hg19) VCF-style: chr20-744206-C-G.
Other names: c.1009G>C, p.Ala337Pro (NM_001370085.1, NM_001370086.1); short protein forms A337P.
Identifiers: ClinVar variation 1996505 (VCV001996505.4), dbSNP rs139542858, ClinGen allele CA407962643.

ClinVar aggregate classification (germline): Uncertain significance (1 of 4 stars; one submission).

Conditions:
Brown-Vialetto-van Laere syndrome 1. Also called: BROWN-VIALETTO-VAN LAERE SYNDROME 1, MILD; BULBAR PALSY, PROGRESSIVE, WITH SENSORINEURAL DEAFNESS; PONTOBULBAR PALSY WITH DEAFNESS. Identifiers: Orphanet 572550, Orphanet 97229, MedGen C0796274, MONDO:0024537, OMIM 211530.

Submission:

Labcorp Genetics (formerly Invitae), Labcorp
Classification: Uncertain significance for Brown-Vialetto-van Laere syndrome 1. Last evaluated: 2022-05-19. Review status: criteria provided, single submitter. Criteria: Invitae Variant Classification Sherloc (09022015). Collection method: clinical testing. Allele origin: germline.
Comment: This sequence change replaces alanine, which is neutral and non-polar, with proline, which is neutral and non-polar, at codon 337 of the SLC52A3 protein (p.Ala337Pro). This variant is not present in population databases (gnomAD no frequency). This variant has not been reported in the literature in individuals affected with SLC52A3-related conditions. Algorithms developed to predict the effect of missense changes on protein structure and function are either unavailable or do not agree on the potential impact of this missense change (SIFT: "Tolerated"; PolyPhen-2: "Probably Damaging"; Align-GVGD: "Class C0"). In summary, the available evidence is currently insufficient to determine the role of this variant in disease. Therefore, it has been classified as a Variant of Uncertain Significance.